The following is an entry in ClinVar:

ClinVar aggregate classification (germline): Likely benign. Review status: criteria provided, multiple submitters, no conflicts (2 of 4 stars). 3 submissions from 3 submitters: Likely benign (3). Last evaluated 2025-12-30.

Allele frequency attached by ClinVar (database versions not stated): ESP Exome Variant Server 0.00031; TOPMed 0.00030; gnomAD 0.00038; 1000 Genomes Project 0.00040; 1000 Genomes Project 30x 0.00047.
gnomAD v4.1: 151 of 1,613,916 alleles (0.0094%); highest among the groups gnomAD compares: African/African-American, 0.088%; no homozygotes.

Submissions (3):

Labcorp Genetics (formerly Invitae), Labcorp
Classification: Likely benign. Last evaluated: 2025-12-30. Review status: criteria provided, single submitter. Criteria: Invitae Variant Classification Sherloc (09022015). Collection method: clinical testing. Allele origin: germline.

GeneDx
Classification: Likely benign. Last evaluated: 2018-06-11. Review status: criteria provided, single submitter. Criteria: GeneDx Variant Classification (06012015). Collection method: clinical testing. Allele origin: germline. Affected: yes.
Comment: This variant is considered likely benign or benign based on one or more of the following criteria: it is a conservative change, it occurs at a poorly conserved position in the protein, it is predicted to be benign by multiple in silico algorithms, and/or has population frequency not consistent with disease.

Breakthrough Genomics
Classification: Likely benign. Review status: criteria provided, single submitter. Criteria: ACMG Guidelines, 2015. Collection method: not provided. Allele origin: germline. Inheritance: Unknown mechanism. Affected: yes.

NM_001204424.2(RGS6):c.1272C>T (p.Asp424=)

Gene: RGS6 (regulator of G protein signaling 6; plus strand). Cytogenetic location: 14q24.2.
Variant type: single nucleotide variant.
Coding change: c.1272C>T on transcript NM_001204424.2 (MANE Select); coding-DNA position 1272, C replaced by T.
Protein change: p.Asp424=; no amino-acid change (aspartic acid 424 retained).
Molecular consequence: synonymous variant. On other transcripts: non-coding transcript variant (1).
Genome position (GRCh38, 1-based): chr14:72,518,531, C>T. VCF-style: chr14-72518531-C-T. GRCh37 (hg19) VCF-style: chr14-72985239-C-T.
Other names: c.1272C>T, p.Asp424= (NM_001204416.3, NM_001204417.3, NM_001204418.3 and 18 more transcripts); c.1161C>T, p.Asp387= (NM_001204419.3, NM_001204420.3, NM_001204421.3 and 4 more transcripts); c.1167C>T, p.Asp389= (NM_001204423.2); c.1263C>T, p.Asp421= (NM_001370279.1); c.1146C>T, p.Asp382= (NM_001370280.1); c.1062C>T, p.Asp354= (NM_001370286.1); c.1035C>T, p.Asp345= (NM_001370294.1).
Identifiers: ClinVar variation 681492 (VCV000681492.6), dbSNP rs141432295, ClinGen allele CA7254084.